The following is an entry in ClinVar:

ClinVar aggregate classification (germline): Pathogenic. Review status: criteria provided, multiple submitters, no conflicts (2 of 4 stars). 4 submissions from 4 submitters: Pathogenic (4). Last evaluated 2022-06-17.

Conditions:
Familial cancer of breast. Also called: BREAST CANCER, FAMILIAL; Hereditary breast cancer; hereditary breast carcinoma. Identifiers: Orphanet 227535, MedGen C0346153, MONDO:0016419, OMIM 114480. Disease mechanism: loss of function.
Hereditary nonpolyposis colorectal neoplasms. Identifiers: MedGen C0009405, MeSH D003123.
Hereditary cancer-predisposing syndrome. Also called: Neoplastic Syndromes, Hereditary; Tumor predisposition; Hereditary Cancer Syndrome; Hereditary neoplastic syndrome. Identifiers: Orphanet 140162, MedGen C0027672, MeSH D009386, MONDO:0015356.

Submissions (4):

Ambry Genetics
Classification: Pathogenic for Hereditary cancer-predisposing syndrome. Last evaluated: 2022-06-17. Review status: criteria provided, single submitter. Criteria: Ambry Variant Classification Scheme 2023. Collection method: clinical testing. Allele origin: germline.
Comment: The c.2574dupT pathogenic mutation, located in coding exon 4 of the MSH6 gene, results from a duplication of T at nucleotide position 2574, causing a translational frameshift with a predicted alternate stop codon (p.L859Sfs*12). This alteration is expected to result in loss of function by premature protein truncation or nonsense-mediated mRNA decay. As such, this alteration is interpreted as a disease-causing mutation.

Labcorp Genetics (formerly Invitae), Labcorp
Classification: Pathogenic for Hereditary nonpolyposis colorectal neoplasms. Last evaluated: 2020-12-18. Review status: criteria provided, single submitter. Criteria: Invitae Variant Classification Sherloc (09022015). Collection method: clinical testing. Allele origin: germline.
Comment: This sequence change creates a premature translational stop signal (p.Leu859Serfs*12) in the MSH6 gene. It is expected to result in an absent or disrupted protein product. Loss-of-function variants in MSH6 are known to be pathogenic (PMID: 18269114, 24362816). This variant is not present in population databases (ExAC no frequency). This variant has not been reported in the literature in individuals with MSH6-related conditions. ClinVar contains an entry for this variant (Variation ID: 920865). For these reasons, this variant has been classified as Pathogenic.

Department of Pathology and Laboratory Medicine, Sinai Health System
Classification: Pathogenic for hereditary breast carcinoma. Last evaluated: 2019-10-23. Review status: criteria provided, single submitter. Criteria: ACMG Guidelines, 2015. Collection method: clinical testing. Allele origin: germline.

Color Diagnostics, LLC DBA Color Health
Classification: Pathogenic for Hereditary cancer-predisposing syndrome. Last evaluated: 2019-09-27. Review status: criteria provided, single submitter. Criteria: ACMG Guidelines, 2015. Collection method: clinical testing. Allele origin: germline.
Comment: This variant inserts 1 nucleotide in exon 4 of the MSH6 gene, creating a frameshift and premature translation stop signal. This variant is expected to result in an absent or non-functional protein product. Splice site prediction tools suggest that this variant may not impact RNA splicing. To our knowledge, functional studies have not been performed for this variant. This variant has not been reported in individuals affected with hereditary cancer in the literature. This variant has not been identified in the general population by the Genome Aggregation Database (gnomAD). Loss of MSH6 function is a known mechanism of disease. Based on the available evidence, this variant is classified as Pathogenic.

Literature cited by the submitters: PubMed 18269114 (cited by Labcorp Genetics (formerly Invitae), Labcorp); PubMed 24362816 (cited by Labcorp Genetics (formerly Invitae), Labcorp).

NM_000179.3(MSH6):c.2574dup (p.Leu859fs)

Gene: MSH6 (mutS homolog 6; plus strand). Cytogenetic location: 2p16.3.
Variant type: Duplication.
Coding change: c.2574dup on transcript NM_000179.3 (MANE Select); coding-DNA position 2574, one base duplicated (T; older notation c.2574dupT).
Protein change: p.Leu859fs; shifts the reading frame from leucine 859.
Molecular consequence: frameshift variant.
Genome position (GRCh38, 1-based): chr2:47,800,557, T duplicated; the last of 4 consecutive T bases (chr2:47,800,554-47,800,557); duplicating any one gives the same sequence. VCF-style (leftmost placement, unchanged base first): chr2-47800553-A-AT. GRCh37 (hg19) VCF-style: chr2-48027692-A-AT.
Other names: c.2184dup, p.Leu729fs (NM_001281492.2); c.1668dup, p.Leu557fs (NM_001281493.2, NM_001281494.2); c.2574dupT (NM_000179.2); short protein forms L557fs, L729fs, L859fs.
Identifiers: ClinVar variation 920865 (VCV000920865.12), dbSNP rs1669483230, ClinGen allele CA1139655879.